The following is an entry in ClinVar:

ClinVar aggregate classification (germline): Conflicting classifications of pathogenicity. Review status: criteria provided, conflicting classifications (1 of 4 stars). 2 submissions from 2 submitters: Uncertain significance (1); Likely benign (1). Last evaluated 2024-01-15.

Conditions:
Bethlem myopathy 1A. Also called: Bethlem myopathy 1; Bethlem Muscular Dystrophy; MYOPATHY, BENIGN CONGENITAL, WITH CONTRACTURES. Identifiers: Orphanet 610, MedGen CN029274, MONDO:0024530, OMIM 158810.
COL6A2-related disorder.

Allele frequency attached by ClinVar (database versions not stated): gnomAD exomes 0.00002; TOPMed 0.00002; ExAC 0.00003; gnomAD 0.00003; 1000 Genomes Project 0.00020; 1000 Genomes Project 30x 0.00031.
gnomAD v4.1: 28 of 1,607,906 alleles (0.0017%); highest among the groups gnomAD compares: African/African-American, 0.0053%; no homozygotes.

Submissions (2):

Labcorp Genetics (formerly Invitae), Labcorp
Classification: Likely benign for Bethlem myopathy 1A. Last evaluated: 2024-01-15. Review status: criteria provided, single submitter. Criteria: Invitae Variant Classification Sherloc (09022015). Collection method: clinical testing. Allele origin: germline.

PreventionGenetics, part of Exact Sciences
Classification: Uncertain significance for COL6A2-related condition. Last evaluated: 2022-08-25. Review status: criteria provided, single submitter. Criteria: ACMG Guidelines, 2015. Collection method: clinical testing. Allele origin: germline.
Comment: The COL6A2 c.522G>A variant is not predicted to result in an amino acid change (p.=). This variant is predicted to possibly alter splicing based on available splicing prediction programs (Alamut Visual v2.11). To our knowledge, this variant has not been reported in the literature. This variant is reported in 0.0089% of alleles in individuals of African descent in gnomAD. At this time, the clinical significance of this variant is uncertain due to the absence of conclusive functional and genetic evidence.

NM_001849.4(COL6A2):c.522G>A (p.Lys174=)

Gene: COL6A2 (collagen type VI alpha 2 chain; plus strand). Cytogenetic location: 21q22.3.
Variant type: single nucleotide variant.
Coding change: c.522G>A on transcript NM_001849.4 (MANE Select); coding-DNA position 522, G replaced by A.
Protein change: p.Lys174=; no amino-acid change (lysine 174 retained).
Molecular consequence: synonymous variant.
Genome position (GRCh38, 1-based): chr21:46,112,385, G>A. VCF-style: chr21-46112385-G-A. GRCh37 (hg19) VCF-style: chr21-47532299-G-A.
Other names: c.522G>A, p.Lys174= (NM_058174.3, NM_058175.3).
Identifiers: ClinVar variation 706189 (VCV000706189.9), dbSNP rs554016354, ClinGen allele CA10071317.